The following is an entry in ClinVar:

ClinVar aggregate classification (germline): Uncertain significance (1 of 4 stars; one submission).

Conditions:
Inborn genetic diseases. Identifiers: MedGen C0950123, MeSH D030342.

Submission:

Ambry Genetics
Classification: Uncertain significance for Inborn genetic diseases. Last evaluated: 2025-02-15. Review status: criteria provided, single submitter. Criteria: Ambry Variant Classification Scheme 2023. Collection method: clinical testing. Allele origin: germline.
Comment: The p.V1997L variant (also known as c.5989G>T), located in coding exon 22 of the FANCM gene, results from a G to T substitution at nucleotide position 5989. The valine at codon 1997 is replaced by leucine, an amino acid with highly similar properties. This amino acid position is conserved. In addition, this alteration is predicted to be tolerated by in silico analysis. Based on the available evidence, the clinical significance of this variant remains unclear.

NM_020937.4(FANCM):c.5989G>T (p.Val1997Leu)

Gene: FANCM (FA complementation group M; plus strand). Cytogenetic location: 14q21.2.
Variant type: single nucleotide variant.
Coding change: c.5989G>T on transcript NM_020937.4 (MANE Select); coding-DNA position 5989, G replaced by T.
Protein change: p.Val1997Leu; replaces valine 1997 with leucine.
Molecular consequence: missense variant.
Genome position (GRCh38, 1-based): chr14:45,198,916, G>T. VCF-style: chr14-45198916-G-T. GRCh37 (hg19) VCF-style: chr14-45668119-G-T.
Other names: c.5911G>T, p.Val1971Leu (NM_001308133.2); short protein forms V1971L, V1997L.
Identifiers: ClinVar variation 3848731 (VCV003848731.1).